The following is an entry in ClinVar:

NM_014363.6(SACS):c.12969G>A (p.Ser4323=)

Gene: SACS (sacsin molecular chaperone; minus strand). Cytogenetic location: 13q12.12.
Variant type: single nucleotide variant.
Coding change: c.12969G>A on transcript NM_014363.6 (MANE Select); coding-DNA position 12969, G replaced by A.
Protein change: p.Ser4323=; no amino-acid change (serine 4323 retained).
Molecular consequence: synonymous variant.
Genome position (GRCh38, 1-based): chr13:23,330,907, C>T on the plus strand (G>A on the coding strand, the complement: SACS is on the minus strand). VCF-style: chr13-23330907-C-T. GRCh37 (hg19) VCF-style: chr13-23905046-C-T.
Other names: c.12969G>A (NM_014363.4); c.12528G>A, p.Ser4176= (NM_001278055.2).
Identifiers: ClinVar variation 696534 (VCV000696534.11), dbSNP rs745807927, ClinGen allele CA6910040.

ClinVar aggregate classification (germline): Likely benign. Review status: criteria provided, multiple submitters, no conflicts (2 of 4 stars). 2 submissions from 2 submitters: Likely benign (2). Last evaluated 2026-01-03.

Conditions:
Spastic paraplegia. Identifiers: MedGen C0037772, HP:0001258.

Allele frequency attached by ClinVar (database versions not stated): gnomAD exomes 0.00007; gnomAD 0.00004 and 0.00003; ExAC 0.00003; TOPMed 0.00003.
gnomAD v4.1: 126 of 1,613,788 alleles (0.0078%); highest among the groups gnomAD compares: Admixed American, 0.018%; no homozygotes.

Submissions (2):

Labcorp Genetics (formerly Invitae), Labcorp
Classification: Likely benign for Spastic paraplegia. Last evaluated: 2026-01-03. Review status: criteria provided, single submitter. Criteria: Invitae Variant Classification Sherloc (09022015). Collection method: clinical testing. Allele origin: germline.

Athena Diagnostics
Classification: Likely benign. Last evaluated: 2025-04-15. Review status: criteria provided, single submitter. Criteria: Athena Diagnostics Criteria. Collection method: clinical testing. Allele origin: unknown.
Comment: Computational tools yielded predictions that this variant is unlikely to have an effect on normal RNA splicing. This nucleotide position exhibits low evolutionary conservation.